The following is an entry in ClinVar:

NM_006073.4(TRDN):c.305G>A (p.Trp102Ter)

Gene: TRDN (triadin; minus strand). Cytogenetic location: 6q22.31.
Variant type: single nucleotide variant.
Coding change: c.305G>A on transcript NM_006073.4 (MANE Select); coding-DNA position 305, G replaced by A.
Protein change: p.Trp102Ter; replaces tryptophan 102 with a stop codon.
Molecular consequence: nonsense.
Genome position (GRCh38, 1-based): chr6:123,548,540, C>T on the plus strand (G>A on the coding strand, the complement: TRDN is on the minus strand). VCF-style: chr6-123548540-C-T. GRCh37 (hg19) VCF-style: chr6-123869685-C-T.
Other names: c.305G>A, p.Trp102Ter (NM_001251987.2, NM_001256020.2, NM_001256021.2 and 2 more transcripts); short protein forms W102*.
Identifiers: ClinVar variation 1799347 (VCV001799347.2), dbSNP rs2534485518, ClinGen allele CA365568836.
Genomic context (GRCh38, chr6:123,548,540, plus strand): 5'-TCATCTTCTTCATCTTCAGATGAGATGATGTCAGATAACAAAGAAAAGAAGCCATAGATC[C>T]AGTCCGTGGTTTCCTCCATAGCATCACGTACCAGTTTTAAAGGATCTGAGCCAATCTTGG-3'

ClinVar aggregate classification (germline): Pathogenic (1 of 4 stars; one submission).

Conditions:
Cardiovascular phenotype. Identifiers: MedGen CN230736.

Submission:

Ambry Genetics
Classification: Pathogenic for Cardiovascular phenotype. Last evaluated: 2022-02-08. Review status: criteria provided, single submitter. Criteria: Ambry Variant Classification Scheme 2023. Collection method: clinical testing. Allele origin: germline.
Comment: The p.W102* variant (also known as c.305G>A), located in coding exon 3 of the TRDN gene, results from a G to A substitution at nucleotide position 305. This changes the amino acid from a tryptophan to a stop codon within coding exon 3. This alteration is expected to result in loss of function by premature protein truncation or nonsense-mediated mRNA decay. As such, this alteration is interpreted as a disease-causing mutation.